The following is an entry in ClinVar:

NM_000142.5(FGFR3):c.2169-33G>A

Gene: FGFR3 (fibroblast growth factor receptor 3; plus strand). Cytogenetic location: 4p16.3.
Variant type: single nucleotide variant.
Coding change: c.2169-33G>A on transcript NM_000142.5 (MANE Select); 33 bases into the intron before coding-DNA position 2169, G replaced by A.
Molecular consequence: intron variant.
Genome position (GRCh38, 1-based): chr4:1,806,796, G>A. VCF-style: chr4-1806796-G-A. GRCh37 (hg19) VCF-style: chr4-1808523-G-A.
Other names: c.2175-33G>A (NM_001163213.2); c.2172-33G>A (NM_001354809.2); c.2101-33G>A (NM_001354810.2); c.1833-33G>A (NM_022965.4).
Identifiers: ClinVar variation 1196039 (VCV001196039.31), dbSNP rs3135899, ClinGen allele CA2810757.

ClinVar aggregate classification (germline): Benign/Likely benign. Review status: criteria provided, multiple submitters, no conflicts (2 of 4 stars). 4 submissions from 4 submitters: Benign (2); Likely benign (2). Last evaluated 2026-06-23.

Conditions:
FGFR3-related chondrodysplasia. Identifiers: Orphanet 93420, MedGen C5681604, MONDO:0019685.

Allele frequency attached by ClinVar (database versions not stated): 1000 Genomes Project 30x 0.00531; 1000 Genomes Project 0.00559; ESP Exome Variant Server 0.01031; gnomAD exomes 0.01105; ExAC 0.01387.
gnomAD v4.1: 21,109 of 1,585,242 alleles (1.3%); highest among the groups gnomAD compares: Non-Finnish European, 1.6%; 184 homozygotes.

Submissions (4):

Genomenon, Inc
Classification: Benign for FGFR3-related chondrodysplasia. Last evaluated: 2026-06-23. Review status: criteria provided, single submitter. Criteria: Genomenon Sequence Variant Interpretation Standards - Updated. Collection method: curation. Allele origin: germline. Affected: no.
Comment: FGFR3 c.2169-33G>A is an intronic variant located in intron 16. This variant is present at high allele frequency in population databases. We classify FGFR3 c.2169-33G>A as a benign variant.

CeGaT Center for Human Genetics Tuebingen
Classification: Benign. Last evaluated: 2024-07-01. Review status: criteria provided, single submitter. Criteria: CeGaT Center For Human Genetics Tuebingen Variant Classification Criteria Version 2. Collection method: clinical testing. Allele origin: germline. Affected: yes. Observed: 7 variant alleles.
Comment: FGFR3: BS1, BS2

GeneDx
Classification: Likely benign. Last evaluated: 2018-07-24. Review status: criteria provided, single submitter. Criteria: GeneDx Variant Classification Process June 2021. Collection method: clinical testing. Allele origin: germline. Affected: yes.

Breakthrough Genomics
Classification: Likely benign. Review status: criteria provided, single submitter. Criteria: ACMG Guidelines, 2015. Collection method: not provided. Allele origin: germline. Inheritance: Autosomal dominant inheritance. Affected: yes.